The following is an entry in ClinVar:

ClinVar aggregate classification (germline): Uncertain significance (1 of 4 stars; one submission).

Conditions:
Hereditary pancreatitis (PCTT). Also called: Hereditary chronic pancreatitis; PRSS1-Related Hereditary Pancreatitis. Identifiers: Orphanet 676, MedGen C0238339, MONDO:0008185, OMIM 167800.

Submission:

Ambry Genetics
Classification: Uncertain significance for Hereditary pancreatitis. Last evaluated: 2024-05-10. Review status: criteria provided, single submitter. Criteria: Ambry Variant Classification Scheme 2023. Collection method: clinical testing. Allele origin: germline.
Comment: The p.L224V variant (also known as c.670T>G), located in coding exon 7 of the CTRC gene, results from a T to G substitution at nucleotide position 670. The leucine at codon 224 is replaced by valine, an amino acid with highly similar properties. This amino acid position is conserved. In addition, this alteration is predicted to be tolerated by in silico analysis. Based on the available evidence, the clinical significance of this variant remains unclear.

NM_007272.3(CTRC):c.670T>G (p.Leu224Val)

Gene: CTRC (chymotrypsin C; plus strand). Cytogenetic location: 1p36.21.
Variant type: single nucleotide variant.
Coding change: c.670T>G on transcript NM_007272.3 (MANE Select); coding-DNA position 670, T replaced by G.
Protein change: p.Leu224Val; replaces leucine 224 with valine.
Molecular consequence: missense variant.
Genome position (GRCh38, 1-based): chr1:15,445,627, T>G. VCF-style: chr1-15445627-T-G. GRCh37 (hg19) VCF-style: chr1-15772122-T-G.
Other names: short protein forms L224V.
Identifiers: ClinVar variation 3270194 (VCV003270194.1).
Genomic context (GRCh38, chr1:15,445,627, plus strand): 5'-GGTGGCTTATGCCCTCCCGGTCTGGTGCAGGGGGACTCCGGTGGCCCACTGAACTGCCAG[T>G]TGGAGAACGGTTCCTGGGAGGTGTTTGGCATCGTCAGCTTTGGCTCCCGGCGGGGCTGCA-3'
Protein context (NP_009203.2, residues 214-234): GDSGGPLNCQ[Leu224Val]ENGSWEVFGI